The following is an entry in ClinVar:

ClinVar aggregate classification (germline): Uncertain significance (1 of 4 stars; one submission).

Conditions:
Pyridoxine-dependent epilepsy (EPEO4). Also called: Pyridoxine-Dependent Epilepsy - ALDH7A1; PYRIDOXINE DEPENDENCY WITH SEIZURES; EPILEPSY, EARLY-ONSET, 4, VITAMIN B6-DEPENDENT; Pyridoxine-Dependent Seizures. Identifiers: Orphanet 3006, MedGen C1849508, MONDO:0009945, OMIM 266100. Disease mechanism: loss of function.

Allele frequency attached by ClinVar (database versions not stated): gnomAD exomes below 0.00001; TOPMed below 0.00001.
gnomAD v4.1: 2 of 1,614,142 alleles (0.00012%); highest among the groups gnomAD compares: African/African-American, 0.0013%; no homozygotes.

Submission:

Labcorp Genetics (formerly Invitae), Labcorp
Classification: Uncertain significance for Pyridoxine-dependent epilepsy. Last evaluated: 2022-07-12. Review status: criteria provided, single submitter. Criteria: Invitae Variant Classification Sherloc (09022015). Collection method: clinical testing. Allele origin: germline.
Comment: This sequence change replaces serine, which is neutral and polar, with cysteine, which is neutral and slightly polar, at codon 271 of the ALDH7A1 protein (p.Ser271Cys). This variant is present in population databases (no rsID available, gnomAD 0.007%). This variant has not been reported in the literature in individuals affected with ALDH7A1-related conditions. ClinVar contains an entry for this variant (Variation ID: 1420502). Advanced modeling of protein sequence and biophysical properties (such as structural, functional, and spatial information, amino acid conservation, physicochemical variation, residue mobility, and thermodynamic stability) performed at Invitae indicates that this missense variant is expected to disrupt ALDH7A1 protein function. In summary, the available evidence is currently insufficient to determine the role of this variant in disease. Therefore, it has been classified as a Variant of Uncertain Significance.

NM_001182.5(ALDH7A1):c.812C>G (p.Ser271Cys)

Gene: ALDH7A1 (aldehyde dehydrogenase 7 family member A1; minus strand). Cytogenetic location: 5q23.2.
Variant type: single nucleotide variant.
Coding change: c.812C>G on transcript NM_001182.5 (MANE Select); coding-DNA position 812, C replaced by G.
Protein change: p.Ser271Cys; replaces serine 271 with cysteine.
Molecular consequence: missense variant.
Genome position (GRCh38, 1-based): chr5:126,568,318, G>C on the plus strand (C>G on the coding strand, the complement: ALDH7A1 is on the minus strand). VCF-style: chr5-126568318-G-C. GRCh37 (hg19) VCF-style: chr5-125904010-G-C.
Other names: c.728C>G, p.Ser243Cys (NM_001201377.2); c.812C>G, p.Ser271Cys (NM_001202404.2); short protein forms S271C, S243C.
Identifiers: ClinVar variation 1420502 (VCV001420502.5), dbSNP rs1450375365, ClinGen allele CA360729389.